The following is an entry in ClinVar:

ClinVar aggregate classification (germline): Uncertain significance (1 of 4 stars; one submission).

Submission:

GeneDx
Classification: Uncertain significance. Last evaluated: 2025-02-20. Review status: criteria provided, single submitter. Criteria: GeneDx Variant Classification Process June 2021. Collection method: clinical testing. Allele origin: germline. Affected: yes.
Comment: Not observed at significant frequency in large population cohorts (gnomAD); In silico analysis indicates that this variant does not alter splicing; Has not been previously published as pathogenic or benign to our knowledge

NM_138694.4(PKHD1):c.11595G>C (p.Leu3865=)

Gene: PKHD1 (PKHD1 ciliary IPT domain containing fibrocystin/polyductin; minus strand). Cytogenetic location: 6p12.3.
Variant type: single nucleotide variant.
Coding change: c.11595G>C on transcript NM_138694.4 (MANE Select); coding-DNA position 11595, G replaced by C.
Protein change: p.Leu3865=; no amino-acid change (leucine 3865 retained).
Molecular consequence: synonymous variant.
Genome position (GRCh38, 1-based): chr6:51,632,635, C>G on the plus strand (G>C on the coding strand, the complement: PKHD1 is on the minus strand). VCF-style: chr6-51632635-C-G. GRCh37 (hg19) VCF-style: chr6-51497433-C-G.
Identifiers: ClinVar variation 4076797 (VCV004076797.1).